The following is an entry in ClinVar:

NM_000051.4(ATM):c.2693T>C (p.Leu898Ser)

Gene: ATM (ATM serine/threonine kinase; plus strand). Cytogenetic location: 11q22.3.
Variant type: single nucleotide variant.
Coding change: c.2693T>C on transcript NM_000051.4 (MANE Select); coding-DNA position 2693, T replaced by C.
Protein change: p.Leu898Ser; replaces leucine 898 with serine.
Molecular consequence: missense variant.
Genome position (GRCh38, 1-based): chr11:108,268,464, T>C. VCF-style: chr11-108268464-T-C. GRCh37 (hg19) VCF-style: chr11-108139191-T-C.
Other names: c.2693T>C, p.Leu898Ser (NM_001351834.2); short protein forms L898S.
Identifiers: ClinVar variation 3448305 (VCV003448305.1).

ClinVar aggregate classification (germline): Uncertain significance (1 of 4 stars; one submission).

Conditions:
Hereditary cancer-predisposing syndrome. Also called: Tumor predisposition; Neoplastic Syndromes, Hereditary; Hereditary neoplastic syndrome; Hereditary Cancer Syndrome. Identifiers: Orphanet 140162, MedGen C0027672, MeSH D009386, MONDO:0015356.

gnomAD v4.1: 5 of 1,614,088 alleles (0.00031%); highest among the groups gnomAD compares: South Asian, 0.0044%; no homozygotes.

Submission:

Ambry Genetics
Classification: Uncertain significance for Hereditary cancer-predisposing syndrome. Last evaluated: 2024-09-24. Review status: criteria provided, single submitter. Criteria: Ambry Variant Classification Scheme 2023. Collection method: clinical testing. Allele origin: germline.
Comment: The p.L898S variant (also known as c.2693T>C), located in coding exon 17 of the ATM gene, results from a T to C substitution at nucleotide position 2693. The leucine at codon 898 is replaced by serine, an amino acid with dissimilar properties. This amino acid position is highly conserved in available vertebrate species. In addition, this alteration is predicted to be deleterious by in silico analysis. Based on the available evidence, the clinical significance of this variant remains unclear.